The following is an entry in ClinVar:

NM_001114753.3(ENG):c.223C>A (p.Pro75Thr)

Gene: ENG (endoglin; minus strand). Cytogenetic location: 9q34.11.
Variant type: single nucleotide variant.
Coding change: c.223C>A on transcript NM_001114753.3 (MANE Select); coding-DNA position 223, C replaced by A.
Protein change: p.Pro75Thr; replaces proline 75 with threonine.
Molecular consequence: missense variant. On other transcripts: 5 prime UTR variant (1).
Genome position (GRCh38, 1-based): chr9:127,829,824, G>T on the plus strand (C>A on the coding strand, the complement: ENG is on the minus strand). VCF-style: chr9-127829824-G-T. GRCh37 (hg19) VCF-style: chr9-130592103-G-T.
Other names: c.223C>A, p.Pro75Thr (NM_000118.4, NM_001406715.1); c.-324C>A (NM_001278138.2); c.223C>A (NM_001114753.1); short protein forms P75T.
Identifiers: ClinVar variation 2715653 (VCV002715653.4), dbSNP rs376186413, ClinGen allele CA5253182.

ClinVar aggregate classification (germline): Uncertain significance. Review status: criteria provided, multiple submitters, no conflicts (2 of 4 stars). 2 submissions from 2 submitters: Uncertain significance (2). Last evaluated 2025-12-22.

Conditions:
Cardiovascular phenotype. Identifiers: MedGen CN230736.
Hereditary hemorrhagic telangiectasia (HHT). Also called: ORW DISEASE; Osler Weber Rendu syndrome; OSLER-RENDU-WEBER DISEASE; Osler hemorrhagic telangiectasia syndrome. Identifiers: Orphanet 774, MedGen C0039445, MONDO:0019180. Disease mechanism: loss of function.

Allele frequency attached by ClinVar (database versions not stated): ExAC 0.00001; TOPMed 0.00003; ESP Exome Variant Server 0.00008.
gnomAD v4.1: 19 of 1,613,968 alleles (0.0012%); highest among the groups gnomAD compares: Non-Finnish European, 0.0016%; no homozygotes.

Submissions (2):

Ambry Genetics
Classification: Uncertain significance for Cardiovascular phenotype. Last evaluated: 2025-12-22. Review status: criteria provided, single submitter. Criteria: Ambry Variant Classification Scheme 2023. Collection method: clinical testing. Allele origin: germline.
Comment: The p.P75T variant (also known as c.223C>A), located in coding exon 3 of the ENG gene, results from a C to A substitution at nucleotide position 223. The proline at codon 75 is replaced by threonine, an amino acid with highly similar properties. This amino acid position is conserved. In addition, this alteration is predicted to be tolerated by in silico analysis. Based on the available evidence, the clinical significance of this variant remains unclear.

Labcorp Genetics (formerly Invitae), Labcorp
Classification: Uncertain significance for Hereditary hemorrhagic telangiectasia. Last evaluated: 2023-08-09. Review status: criteria provided, single submitter. Criteria: Invitae Variant Classification Sherloc (09022015). Collection method: clinical testing. Allele origin: germline.
Comment: This sequence change replaces proline, which is neutral and non-polar, with threonine, which is neutral and polar, at codon 75 of the ENG protein (p.Pro75Thr). This variant is present in population databases (rs376186413, gnomAD 0.0009%). This variant has not been reported in the literature in individuals affected with ENG-related conditions. Advanced modeling of protein sequence and biophysical properties (such as structural, functional, and spatial information, amino acid conservation, physicochemical variation, residue mobility, and thermodynamic stability) performed at Invitae indicates that this missense variant is not expected to disrupt ENG protein function. In summary, the available evidence is currently insufficient to determine the role of this variant in disease. Therefore, it has been classified as a Variant of Uncertain Significance.